The following is an entry in ClinVar:

NM_145290.4(ADGRA3):c.1605+5G>A

Gene: ADGRA3 (adhesion G protein-coupled receptor A3; minus strand). Cytogenetic location: 4p15.2.
Variant type: single nucleotide variant.
Coding change: c.1605+5G>A on transcript NM_145290.4 (MANE Select); 5 bases into the intron after coding-DNA position 1605, G replaced by A.
Molecular consequence: intron variant.
Genome position (GRCh38, 1-based): chr4:22,424,186, C>T on the plus strand (G>A on the coding strand, the complement: ADGRA3 is on the minus strand). VCF-style: chr4-22424186-C-T. GRCh37 (hg19) VCF-style: chr4-22425809-C-T.
Identifiers: ClinVar variation 2198083 (VCV002198083.1), dbSNP rs1005043759, ClinGen allele CA93520252.

ClinVar aggregate classification (germline): Uncertain significance (1 of 4 stars; one submission).

Allele frequency attached by ClinVar (database versions not stated): gnomAD exomes below 0.00001; gnomAD 0.00001; TOPMed 0.00002.
gnomAD v4.1: 7 of 1,607,034 alleles (0.00044%); highest among the groups gnomAD compares: African/African-American, 0.0053%; no homozygotes.

Submission:

Labcorp Genetics (formerly Invitae), Labcorp
Classification: Uncertain significance. Last evaluated: 2022-08-23. Review status: criteria provided, single submitter. Criteria: Invitae Variant Classification Sherloc (09022015). Collection method: clinical testing. Allele origin: germline.
Comment: This sequence change falls in intron 11 of the ADGRA3 gene. It does not directly change the encoded amino acid sequence of the ADGRA3 protein. It affects a nucleotide within the consensus splice site. This variant is present in population databases (no rsID available, gnomAD 0.01%). This variant has not been reported in the literature in individuals affected with ADGRA3-related conditions. Variants that disrupt the consensus splice site are a relatively common cause of aberrant splicing (PMID: 17576681, 9536098). Algorithms developed to predict the effect of sequence changes on RNA splicing suggest that this variant may disrupt the consensus splice site. In summary, the available evidence is currently insufficient to determine the role of this variant in disease. Therefore, it has been classified as a Variant of Uncertain Significance.

Literature cited by the submitters: PubMed 17576681; PubMed 9536098.